The following is an entry in ClinVar:

NM_182961.4(SYNE1):c.10879C>T (p.Arg3627Cys)

Gene: SYNE1 (spectrin repeat containing nuclear envelope protein 1; minus strand). Cytogenetic location: 6q25.2.
Variant type: single nucleotide variant.
Coding change: c.10879C>T on transcript NM_182961.4 (MANE Select); coding-DNA position 10879, C replaced by T.
Protein change: p.Arg3627Cys; replaces arginine 3627 with cysteine.
Molecular consequence: missense variant. On other transcripts: intron variant (1).
Genome position (GRCh38, 1-based): chr6:152,354,706, G>A on the plus strand (C>T on the coding strand, the complement: SYNE1 is on the minus strand). VCF-style: chr6-152354706-G-A. GRCh37 (hg19) VCF-style: chr6-152675841-G-A.
Other names: c.10879C>T (NM_182961.3); c.10881+19C>T (NM_033071.5); short protein forms R3627C.
Identifiers: ClinVar variation 994792 (VCV000994792.4), dbSNP rs149712464, ClinGen allele CA4056865.

ClinVar aggregate classification (germline): Conflicting classifications of pathogenicity. Review status: criteria provided, conflicting classifications (1 of 4 stars). 3 submissions from 3 submitters: Uncertain significance (2); Likely benign (1). Last evaluated 2025-09-19.

Conditions:
SYNE1-related disorder. Also called: SYNE1-related disorders; SYNE1-related disease; SYNE1-related condition.
Autosomal recessive ataxia, Beauce type. Also called: SYNE1-Related Autosomal Recessive Cerebellar Ataxia; Spinocerebellar ataxia, autosomal recessive 8; ATAXIA, RECESSIVE, OF BEAUCE; SYNE1 Deficiency. Identifiers: Orphanet 88644, MedGen C1853116, MONDO:0012549, OMIM 610743.
Emery-Dreifuss muscular dystrophy 4, autosomal dominant (EDMD4). Also called: EMERY-DREIFUSS MUSCULAR DYSTROPHY 4 WITH VARIABLE FEATURES. Identifiers: Orphanet 261, MedGen C2751807, MONDO:0013071, OMIM 612998.

Allele frequency attached by ClinVar (database versions not stated): TOPMed 0.00004; ExAC 0.00005; ESP Exome Variant Server 0.00008.
gnomAD v4.1: 31 of 1,614,042 alleles (0.0019%); highest among the groups gnomAD compares: African/African-American, 0.0053%; no homozygotes.

Submissions (3):

Labcorp Genetics (formerly Invitae), Labcorp
Classification: Likely benign for Emery-Dreifuss muscular dystrophy 4, autosomal dominant; Autosomal recessive ataxia, Beauce type. Last evaluated: 2025-09-19. Review status: criteria provided, single submitter. Criteria: Invitae Variant Classification Sherloc (09022015). Collection method: clinical testing. Allele origin: germline.

PreventionGenetics, part of Exact Sciences
Classification: Uncertain significance for SYNE1-related condition. Last evaluated: 2024-12-13. Review status: criteria provided, single submitter. Criteria: ACMG Guidelines, 2015. Collection method: clinical testing. Allele origin: germline.
Comment: The SYNE1 c.10879C>T variant is predicted to result in the amino acid substitution p.Arg3627Cys. This variant occurs in the intron (c.10881+19C>T) in the main transcript (NM_033071). To our knowledge, this variant has not been reported in the literature. This variant is reported in 0.0080% of alleles in individuals of African descent in gnomAD and is interpreted as uncertain in ClinVar. At this time, the clinical significance of this variant is uncertain due to the absence of conclusive functional and genetic evidence.

Athena Diagnostics
Classification: Uncertain significance. Last evaluated: 2022-12-28. Review status: criteria provided, single submitter. Criteria: Athena Diagnostics Criteria. Collection method: clinical testing. Allele origin: unknown.
Comment: Available data are insufficient to determine the clinical significance of the variant at this time. The frequency of this variant in the general population is uninformative in assessment of its pathogenicity. Computational tools predict that this variant is not damaging.